The following is an entry in ClinVar:

ClinVar aggregate classification (germline): Uncertain significance. Review status: criteria provided, multiple submitters, no conflicts (2 of 4 stars). 2 submissions from 2 submitters: Uncertain significance (2). Last evaluated 2025-12-08.

Conditions:
Melanoma, cutaneous malignant, susceptibility to, 5. Also called: Cutaneous malignant melanoma 5. Identifiers: Orphanet 618, MedGen C2751295, MONDO:0013133, OMIM 613099.

Allele frequency attached by ClinVar (database versions not stated): gnomAD exomes 0.00004 and 0.00008; ExAC 0.00006; TOPMed 0.00006; gnomAD 0.00007; ESP Exome Variant Server 0.00015.
gnomAD v4.1: 120 of 1,606,076 alleles (0.0075%); highest among the groups gnomAD compares: Admixed American, 0.012%; no homozygotes.

Submissions (2):

Labcorp Genetics (formerly Invitae), Labcorp
Classification: Uncertain significance for Melanoma, cutaneous malignant, susceptibility to, 5. Last evaluated: 2025-12-08. Review status: criteria provided, single submitter. Criteria: Invitae Variant Classification Sherloc (09022015). Collection method: clinical testing. Allele origin: germline.
Comment: This sequence change replaces valine, which is neutral and non-polar, with alanine, which is neutral and non-polar, at codon 156 of the MC1R protein (p.Val156Ala). This variant is present in population databases (rs201975178, gnomAD 0.01%). This missense change has been observed in individual(s) with melanoma, as well as in unaffected controls (PMID: 18983535, 19585506, 23360207, 23647022, 24982914). ClinVar contains an entry for this variant (Variation ID: 834818). Invitae Evidence Modeling of protein sequence and biophysical properties (such as structural, functional, and spatial information, amino acid conservation, physicochemical variation, residue mobility, and thermodynamic stability) indicates that this missense variant is not expected to disrupt MC1R protein function with a negative predictive value of 80%. In summary, the available evidence is currently insufficient to determine the role of this variant in disease. Therefore, it has been classified as a Variant of Uncertain Significance.

ARUP Laboratories, Molecular Genetics and Genomics, ARUP Laboratories
Classification: Uncertain significance. Last evaluated: 2023-11-30. Review status: criteria provided, single submitter. Criteria: ARUP Molecular Germline Variant Investigation Process 2024. Collection method: clinical testing. Allele origin: germline.
Comment: The MC1R c.467T>C; p.Val156Ala variant (rs201975178) is reported in individuals with melanoma but is also reported in healthy controls (Guan 2013, Hu 2014, Pastorino 2008, Puig-Butille 2013, Scherer 2009). This variant is also reported in ClinVar (Variation ID: 834818). It is observed in the general population with an overall allele frequency of 0.004% (11/273210 alleles) in the Genome Aggregation Database (v2.1.1). Computational analyses are uncertain whether this variant is neutral or deleterious (REVEL: 0.209). Due to limited information, the clinical significance of this variant is uncertain at this time. References: Guan X et al. Variants in melanocortin 1 receptor gene contribute to risk of melanoma--a direct sequencing analysis in a Texas population. Pigment Cell Melanoma Res. 2013 May;26(3):422-5. PMID: 23360207. Hu HH et al. A large French case-control study emphasizes the role of rare Mc1R variants in melanoma risk. Biomed Res Int. 2014;2014:925716. PMID: 24982914. Pastorino L et al. CDKN2A mutations and MC1R variants in Italian patients with single or multiple primary melanoma. Pigment Cell Melanoma Res. 2008 Dec;21(6):700-9. PMID: 18983535. Puig-Butille JA et al. Distribution of MC1R variants among melanoma subtypes: p.R163Q is associated with lentigo maligna melanoma in a Mediterranean population. Br J Dermatol. 2013 Oct;169(4):804-11. PMID: 23647022. Scherer D et al. Melanocortin receptor 1 variants and melanoma risk: a study of 2 European populations. Int J Cancer. 2009 Oct 15;125(8):1868-75. PMID: 19585506.

Literature cited by the submitters: PubMed 18983535 (cited by Labcorp Genetics (formerly Invitae), Labcorp); PubMed 19585506 (cited by Labcorp Genetics (formerly Invitae), Labcorp); PubMed 23360207 (cited by Labcorp Genetics (formerly Invitae), Labcorp); PubMed 23647022 (cited by Labcorp Genetics (formerly Invitae), Labcorp); PubMed 24982914 (cited by Labcorp Genetics (formerly Invitae), Labcorp).

NM_002386.4(MC1R):c.467T>C (p.Val156Ala)

Gene: MC1R (melanocortin 1 receptor; plus strand). Cytogenetic location: 16q24.3.
Variant type: single nucleotide variant.
Coding change: c.467T>C on transcript NM_002386.4 (MANE Select); coding-DNA position 467, T replaced by C.
Protein change: p.Val156Ala; replaces valine 156 with alanine.
Molecular consequence: missense variant.
Genome position (GRCh38, 1-based): chr16:89,919,725, T>C. VCF-style: chr16-89919725-T-C. GRCh37 (hg19) VCF-style: chr16-89986133-T-C.
Other names: short protein forms V156A.
Identifiers: ClinVar variation 834818 (VCV000834818.10), dbSNP rs201975178, ClinGen allele CA8255603.